The following is an entry in ClinVar:

ClinVar aggregate classification (germline): Uncertain significance (1 of 4 stars; one submission).

Submission:

Labcorp Genetics (formerly Invitae), Labcorp
Classification: Uncertain significance. Last evaluated: 2025-01-07. Review status: criteria provided, single submitter. Criteria: Invitae Variant Classification Sherloc (09022015). Collection method: clinical testing. Allele origin: germline.
Comment: This sequence change replaces leucine, which is neutral and non-polar, with phenylalanine, which is neutral and non-polar, at codon 126 of the ABCB7 protein (p.Leu126Phe). This variant is not present in population databases (gnomAD no frequency). This variant has not been reported in the literature in individuals affected with ABCB7-related conditions. An algorithm developed to predict the effect of missense changes on protein structure and function (PolyPhen-2) suggests that this variant is likely to be tolerated. In summary, the available evidence is currently insufficient to determine the role of this variant in disease. Therefore, it has been classified as a Variant of Uncertain Significance.

NM_001271696.3(ABCB7):c.373C>T (p.Leu125Phe)

Gene: ABCB7 (ATP binding cassette subfamily B member 7; minus strand). Cytogenetic location: Xq13.3.
Variant type: single nucleotide variant.
Coding change: c.373C>T on transcript NM_001271696.3 (MANE Select); coding-DNA position 373, C replaced by T.
Protein change: p.Leu125Phe; replaces leucine 125 with phenylalanine.
Molecular consequence: missense variant. On other transcripts: intron variant (2).
Genome position (GRCh38, 1-based): chrX:75,099,022, G>A on the plus strand (C>T on the coding strand, the complement: ABCB7 is on the minus strand). VCF-style: chrX-75099022-G-A. GRCh37 (hg19) VCF-style: chrX-74318857-G-A.
Other names: c.333+13864C>T (NM_001271697.3); c.336+13864C>T (NM_001271699.3); c.295C>T, p.Leu99Phe (NM_001271698.3); c.376C>T, p.Leu126Phe (NM_004299.6); short protein forms L125F, L126F, L99F.
Identifiers: ClinVar variation 3728313 (VCV003728313.2).
Genomic context (GRCh38, chrX:75,099,022, plus strand): 5'-CCAGCGAAATGGCAACTCTAGCTCGTAGATCTGGCCTGTCTTTGGGCCACACATAAGAAA[G>A]CATTGCTTTTATGATTTTCCGAGTATCAACATCTTTTAACTATTGAAAGAGAGAAAACAA-3'
Protein context (NP_001258625.1, residues 115-135): VDTRKIIKAM[Leu125Phe]SYVWPKDRPD